The following is an entry in ClinVar:

ClinVar aggregate classification (germline): Pathogenic (1 of 4 stars; one submission).

Conditions:
USH2A-related disorder. Also called: USH2A-related condition; USH2A-related disorders. Identifiers: MedGen CN239332.

Submission:

Myriad Genetics, Inc.
Classification: Pathogenic for USH2A-related disorder. Last evaluated: 2025-04-17. Review status: criteria provided, single submitter. Criteria: Myriad Autosomal Dominant, Autosomal Recessive and X-Linked Classification Criteria (2023). Collection method: clinical testing. Allele origin: unknown.
Comment: NM_206933.2(USH2A):c.13562delC(P4521Lfs*29) is a frameshift variant classified as pathogenic in the context of USH2A-related disorders. P4521Lfs*29 has not been observed in cases with relevant disease. Relevant functional assessments of this variant are not available in the literature. P4521Lfs*29 has not been observed in referenced population frequency databases. In summary, NM_206933.2(USH2A):c.13562delC(P4521Lfs*29) is a frameshift variant in a gene where loss of function is a known mechanism of disease and is predicted to disrupt protein function. Please note: this variant was assessed in the context of healthy population screening.

NM_206933.4(USH2A):c.13562del (p.Pro4521fs)

Gene: USH2A (usherin; minus strand). Cytogenetic location: 1q41.
Variant type: Deletion.
Coding change: c.13562del on transcript NM_206933.4 (MANE Select); coding-DNA position 13562, one base deleted (C; older notation c.13562delC).
Protein change: p.Pro4521fs; shifts the reading frame from proline 4521.
Molecular consequence: frameshift variant.
Genome position (GRCh38, 1-based): chr1:215,674,349, G deleted on the plus strand (C on the coding strand, the reverse complement: USH2A is on the minus strand); the first of 2 consecutive G bases (chr1:215,674,349-215,674,350); deleting either gives the same sequence. VCF-style (leftmost placement, unchanged base first): chr1-215674348-AG-A. GRCh37 (hg19) VCF-style: chr1-215847690-AG-A.
Other names: short protein forms P4521fs.
Identifiers: ClinVar variation 4081851 (VCV004081851.1).
Genomic context (GRCh38, chr1:215,674,348, plus strand): 5'-CTGCAATTTTGGAGGTTCCATCCCTGAGGGTGCTGAGGGGCTGGTTCGATCTTTGACAAG[AG>A]GACTCAAAATACCCCCTTGGCTGTTGCTGGCAGTTACTGTGTAGCTATACTCCACACCTG-3'